The following is an entry in ClinVar:

ClinVar aggregate classification (germline): Uncertain significance. Review status: criteria provided, multiple submitters, no conflicts (2 of 4 stars). 2 submissions from 2 submitters: Uncertain significance (2). Last evaluated 2024-12-04.

Conditions:
COL13A1-related disorder. Also called: COL13A1-related condition.

Allele frequency attached by ClinVar (database versions not stated): ExAC 0.00001; TOPMed 0.00001; gnomAD 0.00002; gnomAD exomes 0.00003.
gnomAD v4.1: 50 of 1,613,632 alleles (0.0031%); highest among the groups gnomAD compares: Non-Finnish European, 0.0038%; no homozygotes.

Submissions (2):

PreventionGenetics, part of Exact Sciences
Classification: Uncertain significance for COL13A1-related condition. Last evaluated: 2024-12-04. Review status: criteria provided, single submitter. Criteria: ACMG Guidelines, 2015. Collection method: clinical testing. Allele origin: germline.
Comment: The COL13A1 c.943G>A variant is predicted to result in the amino acid substitution p.Gly315Ser. To our knowledge, this variant has not been reported in the literature. This variant is reported in 0.00089% of alleles in individuals of European (non-Finnish) descent in gnomAD. At this time, the clinical significance of this variant is uncertain due to the absence of conclusive functional and genetic evidence.

Labcorp Genetics (formerly Invitae), Labcorp
Classification: Uncertain significance. Last evaluated: 2022-03-20. Review status: criteria provided, single submitter. Criteria: Invitae Variant Classification Sherloc (09022015). Collection method: clinical testing. Allele origin: germline.
Comment: This sequence change replaces glycine, which is neutral and non-polar, with serine, which is neutral and polar, at codon 315 of the COL13A1 protein (p.Gly315Ser). This variant is present in population databases (rs763532264, gnomAD 0.0009%). This variant has not been reported in the literature in individuals affected with COL13A1-related conditions. Algorithms developed to predict the effect of missense changes on protein structure and function are either unavailable or do not agree on the potential impact of this missense change (SIFT: "Deleterious"; PolyPhen-2: "Probably Damaging"; Align-GVGD: "Class C0"). In summary, the available evidence is currently insufficient to determine the role of this variant in disease. Therefore, it has been classified as a Variant of Uncertain Significance.

NM_001368882.1(COL13A1):c.913G>A (p.Gly305Ser)

Gene: COL13A1 (collagen type XIII alpha 1 chain; plus strand). Cytogenetic location: 10q22.1.
Variant type: single nucleotide variant.
Coding change: c.913G>A on transcript NM_001368882.1 (MANE Select); coding-DNA position 913, G replaced by A.
Protein change: p.Gly305Ser; replaces glycine 305 with serine.
Molecular consequence: missense variant.
Genome position (GRCh38, 1-based): chr10:69,905,814, G>A. VCF-style: chr10-69905814-G-A. GRCh37 (hg19) VCF-style: chr10-71665570-G-A.
Other names: c.943G>A, p.Gly315Ser (NM_001130103.2); c.913G>A, p.Gly305Ser (NM_001320951.2, NM_001368884.1); c.877G>A, p.Gly293Ser (NM_001368883.1, NM_001368885.1, NM_080801.4 and 1 more transcripts); c.313G>A, p.Gly105Ser (NM_001368886.1); c.823G>A, p.Gly275Ser (NM_001368895.1); c.772G>A, p.Gly258Ser (NM_001368896.1, NM_001368898.1, NM_080798.4); c.799G>A, p.Gly267Ser (NM_001368897.1); c.886G>A, p.Gly296Ser (NM_080800.4); and 2 more; short protein forms G105S, G258S, G267S, G305S, G264S, G275S, G315S, G293S.
Identifiers: ClinVar variation 1925932 (VCV001925932.3), dbSNP rs763532264, ClinGen allele CA5534484.